The following is an entry in ClinVar:

ClinVar aggregate classification (germline): Uncertain significance (1 of 4 stars; one submission).

Conditions:
Hypertrophic cardiomyopathy 12. Identifiers: MedGen C2677491, MONDO:0012804, OMIM 612124.
Dilated cardiomyopathy 1M (CMD1M). Identifiers: Orphanet 154, MedGen C1843808, MONDO:0011840, OMIM 607482.

Submission:

Labcorp Genetics (formerly Invitae), Labcorp
Classification: Uncertain significance for Hypertrophic cardiomyopathy 12; Dilated cardiomyopathy 1M. Last evaluated: 2016-04-04. Review status: criteria provided, single submitter. Criteria: Invitae Variant Classification Sherloc (09022015). Collection method: clinical testing. Allele origin: germline.
Comment: In summary, this variant is a novel missense change with uncertain impact on protein function. It has been classified as a Variant of Uncertain Significance. This variant is not present in population databases (ExAC no frequency) and has not been reported in the literature in individuals with a CSRP3-related disease. Algorithms developed to predict the effect of missense changes on protein structure and function (SIFT, PolyPhen-2, Align-GVGD) all suggest that this variant is likely to be disruptive, but these predictions have not been confirmed by published functional studies. This sequence change replaces valine with aspartic acid at codon 17 of the CSRP3 protein (p.Val17Asp). The valine residue is highly conserved and there is a large physicochemical difference between valine and aspartic acid.

NM_003476.5(CSRP3):c.50T>A (p.Val17Asp)

Gene: CSRP3 (cysteine and glycine rich protein 3; minus strand). Cytogenetic location: 11p15.1.
Variant type: single nucleotide variant.
Coding change: c.50T>A on transcript NM_003476.5 (MANE Select); coding-DNA position 50, T replaced by A.
Protein change: p.Val17Asp; replaces valine 17 with aspartic acid.
Molecular consequence: missense variant.
Genome position (GRCh38, 1-based): chr11:19,192,399, A>T on the plus strand (T>A on the coding strand, the complement: CSRP3 is on the minus strand). VCF-style: chr11-19192399-A-T. GRCh37 (hg19) VCF-style: chr11-19213946-A-T.
Other names: c.50T>A, p.Val17Asp (NM_001369404.1); short protein forms V17D.
Identifiers: ClinVar variation 404175 (VCV000404175.8), dbSNP rs1060500131, ClinGen allele CA16613283.